The following is an entry in ClinVar:

NM_000088.4(COL1A1):c.1945G>T (p.Ala649Ser)

Gene: COL1A1 (collagen type I alpha 1 chain; minus strand). Cytogenetic location: 17q21.33.
Variant type: single nucleotide variant.
Coding change: c.1945G>T on transcript NM_000088.4 (MANE Select); coding-DNA position 1945, G replaced by T.
Protein change: p.Ala649Ser; replaces alanine 649 with serine.
Molecular consequence: missense variant.
Genome position (GRCh38, 1-based): chr17:50,192,513, C>A on the plus strand (G>T on the coding strand, the complement: COL1A1 is on the minus strand). VCF-style: chr17-50192513-C-A. GRCh37 (hg19) VCF-style: chr17-48269874-C-A.
Other names: short protein forms A649S.
Identifiers: ClinVar variation 4709320 (VCV004709320.1).

ClinVar aggregate classification (germline): Uncertain significance (1 of 4 stars; one submission).

Conditions:
Osteogenesis imperfecta type I (OI1). Also called: OI, TYPE I; OSTEOGENESIS IMPERFECTA TARDA; OSTEOGENESIS IMPERFECTA WITH BLUE SCLERAE; Osteogenesis imperfecta type 1; Classic Non-deforming Osteogenesis Imperfecta with Blue Sclerae; Lobstein's Disease. Identifiers: Orphanet 216796, Orphanet 666, MedGen C0023931, MONDO:0008146, OMIM 166200. Disease mechanism: loss of function.

Submission:

Labcorp Genetics (formerly Invitae), Labcorp
Classification: Uncertain significance for Osteogenesis imperfecta type I. Last evaluated: 2025-08-13. Review status: criteria provided, single submitter. Criteria: Invitae Variant Classification Sherloc (09022015). Collection method: clinical testing. Allele origin: germline.
Comment: This sequence change replaces alanine, which is neutral and non-polar, with serine, which is neutral and polar, at codon 649 of the COL1A1 protein (p.Ala649Ser). This variant is not present in population databases (gnomAD no frequency). This variant has not been reported in the literature in individuals affected with COL1A1-related conditions. Invitae Evidence Modeling of protein sequence and biophysical properties (such as structural, functional, and spatial information, amino acid conservation, physicochemical variation, residue mobility, and thermodynamic stability) indicates that this missense variant is not expected to disrupt COL1A1 protein function with a negative predictive value of 95%. In summary, the available evidence is currently insufficient to determine the role of this variant in disease. Therefore, it has been classified as a Variant of Uncertain Significance.